The following is an entry in ClinVar:

NM_000051.4(ATM):c.4985C>A (p.Thr1662Asn)

Gene: ATM (ATM serine/threonine kinase; plus strand). Cytogenetic location: 11q22.3.
Variant type: single nucleotide variant.
Coding change: c.4985C>A on transcript NM_000051.4 (MANE Select); coding-DNA position 4985, C replaced by A.
Protein change: p.Thr1662Asn; replaces threonine 1662 with asparagine.
Molecular consequence: missense variant.
Genome position (GRCh38, 1-based): chr11:108,297,362, C>A. VCF-style: chr11-108297362-C-A. GRCh37 (hg19) VCF-style: chr11-108168089-C-A.
Other names: c.4985C>A, p.Thr1662Asn (NM_001351834.2); short protein forms T1662N.
Identifiers: ClinVar variation 860097 (VCV000860097.9), dbSNP rs1591692969, ClinGen allele CA382538495.

ClinVar aggregate classification (germline): Uncertain significance (1 of 4 stars; one submission).

Conditions:
Ataxia-telangiectasia syndrome (AT). Also called: Ataxia telangiectasia (A-T); Cerebello-oculocutaneous telangiectasia; Immunodeficiency with ataxia telangiectasia; AT, COMPLEMENTATION GROUP C; ATAXIA-TELANGIECTASIA, COMPLEMENTATION GROUP A; ATAXIA-TELANGIECTASIA, FRESNO VARIANT. Identifiers: Orphanet 100, MedGen C0004135, MONDO:0008840, OMIM 208900.

Submission:

Labcorp Genetics (formerly Invitae), Labcorp
Classification: Uncertain significance for Ataxia-telangiectasia syndrome. Last evaluated: 2023-08-04. Review status: criteria provided, single submitter. Criteria: Invitae Variant Classification Sherloc (09022015). Collection method: clinical testing. Allele origin: germline.
Comment: This sequence change replaces threonine, which is neutral and polar, with asparagine, which is neutral and polar, at codon 1662 of the ATM protein (p.Thr1662Asn). This variant is not present in population databases (gnomAD no frequency). This variant has not been reported in the literature in individuals affected with ATM-related conditions. ClinVar contains an entry for this variant (Variation ID: 860097). An algorithm developed to predict the effect of missense changes on protein structure and function (PolyPhen-2) suggests that this variant is likely to be tolerated. In summary, the available evidence is currently insufficient to determine the role of this variant in disease. Therefore, it has been classified as a Variant of Uncertain Significance.